The following is an entry in ClinVar:

ClinVar aggregate classification (germline): Uncertain significance. Review status: criteria provided, multiple submitters, no conflicts (2 of 4 stars). 2 submissions from 2 submitters: Uncertain significance (2). Last evaluated 2022-03-08.

Conditions:
Hereditary cancer-predisposing syndrome. Also called: Neoplastic Syndromes, Hereditary; Tumor predisposition; Hereditary Cancer Syndrome; Hereditary neoplastic syndrome. Identifiers: Orphanet 140162, MedGen C0027672, MeSH D009386, MONDO:0015356.
Familial adenomatous polyposis 1 (FAP1). Also called: FAMILIAL ADENOMATOUS POLYPOSIS 1, ATTENUATED; POLYPOSIS, ADENOMATOUS INTESTINAL. Identifiers: MedGen C2713442, MONDO:0021056, OMIM 175100. Disease mechanism: loss of function.

Submissions (2):

Labcorp Genetics (formerly Invitae), Labcorp
Classification: Uncertain significance for Familial adenomatous polyposis 1. Last evaluated: 2022-03-08. Review status: criteria provided, single submitter. Criteria: Invitae Variant Classification Sherloc (09022015). Collection method: clinical testing. Allele origin: germline.
Comment: In summary, the available evidence is currently insufficient to determine the role of this variant in disease. Therefore, it has been classified as a Variant of Uncertain Significance. Algorithms developed to predict the effect of missense changes on protein structure and function are either unavailable or do not agree on the potential impact of this missense change (SIFT: "Deleterious"; PolyPhen-2: "Benign"; Align-GVGD: "Class C65"). ClinVar contains an entry for this variant (Variation ID: 922639). This variant has not been reported in the literature in individuals affected with APC-related conditions. This variant is not present in population databases (gnomAD no frequency). This sequence change replaces proline, which is neutral and non-polar, with leucine, which is neutral and non-polar, at codon 114 of the APC protein (p.Pro114Leu).

Color Diagnostics, LLC DBA Color Health
Classification: Uncertain significance for Hereditary cancer-predisposing syndrome. Last evaluated: 2019-05-29. Review status: criteria provided, single submitter. Criteria: ACMG Guidelines, 2015. Collection method: clinical testing. Allele origin: germline.

NM_000038.6(APC):c.341C>T (p.Pro114Leu)

Gene: APC (APC regulator of Wnt signaling pathway; plus strand). Cytogenetic location: 5q22.2.
Variant type: single nucleotide variant.
Coding change: c.341C>T on transcript NM_000038.6 (MANE Select); coding-DNA position 341, C replaced by T.
Protein change: p.Pro114Leu; replaces proline 114 with leucine.
Molecular consequence: missense variant. On other transcripts: 5 prime UTR variant (1).
Genome position (GRCh38, 1-based): chr5:112,767,309, C>T. VCF-style: chr5-112767309-C-T. GRCh37 (hg19) VCF-style: chr5-112103006-C-T.
Other names: c.341C>T, p.Pro114Leu (NM_001127510.3, NM_001354895.2, NM_001354896.2 and 2 more transcripts); c.371C>T, p.Pro124Leu (NM_001127511.3, NM_001354897.2, NM_001354902.2); c.266C>T, p.Pro89Leu (NM_001354898.2, NM_001354904.2); c.164C>T, p.Pro55Leu (NM_001354900.2, NM_001354901.2, NM_001354905.2); c.-695C>T (NM_001354906.2); short protein forms P114L, P124L, P89L, P55L.
Identifiers: ClinVar variation 922639 (VCV000922639.12), dbSNP rs200117298, ClinGen allele CA16022067.
Genomic context (GRCh38, chr5:112,767,309, plus strand): 5'-GTTCTTATGGAAGCCGGGAAGGATCTGTATCAAGCCGTTCTGGAGAGTGCAGTCCTGTTC[C>T]TATGGGTTCATTTCCAAGAAGAGGGTTTGTAAATGGAAGCAGAGAAAGTACTGGATATTT-3'
Protein context (NP_000029.2, residues 104-124): SSRSGECSPV[Pro114Leu]MGSFPRRGFV